The following is an entry in ClinVar:

ClinVar aggregate classification (germline): Conflicting classifications of pathogenicity. Review status: criteria provided, conflicting classifications (1 of 4 stars). 3 submissions from 3 submitters: Likely pathogenic (1); Uncertain significance (1). 1 of the submissions does not count toward it. Last evaluated 2025-12-27.

Allele frequency attached by ClinVar (database versions not stated): ExAC 0.00001; gnomAD 0.00007; ESP Exome Variant Server 0.00008; TOPMed 0.00006; gnomAD exomes below 0.00001.

Submissions (3):

GeneDx
Classification: Likely pathogenic. Last evaluated: 2025-12-27. Review status: criteria provided, single submitter. Criteria: GeneDx Variant Classification Process June 2021. Collection method: clinical testing. Allele origin: germline.
Comment: Previously identified in the homozygous state in an individual with hypomyelinating leukodystrophy 10; however, this individual was also heterozygous for a variant in another gene that may have contributed to the phenotype (PMID: 30829456); In silico analysis supports that this missense variant has a deleterious effect on protein structure/function; Not observed at significant frequency in large population cohorts (gnomAD); This variant is associated with the following publications: (PMID: 37563452, 30829456)

Labcorp Genetics (formerly Invitae), Labcorp
Classification: Uncertain significance. Last evaluated: 2022-05-18. Review status: criteria provided, single submitter. Criteria: Invitae Variant Classification Sherloc (09022015). Collection method: clinical testing. Allele origin: germline.
Comment: This sequence change replaces arginine, which is basic and polar, with glutamine, which is neutral and polar, at codon 199 of the PYCR2 protein (p.Arg199Gln). This variant is present in population databases (rs376952965, gnomAD 0.01%). This missense change has been observed in individual(s) with leukodystrophy (PMID: 30829456). Algorithms developed to predict the effect of missense changes on protein structure and function (SIFT, PolyPhen-2, Align-GVGD) all suggest that this variant is likely to be tolerated. This variant disrupts the p.Arg199 amino acid residue in PYCR2. Other variant(s) that disrupt this residue have been observed in individuals with PYCR2-related conditions (PMID: 27130255, 30829456), which suggests that this may be a clinically significant amino acid residue. In summary, the available evidence is currently insufficient to determine the role of this variant in disease. Therefore, it has been classified as a Variant of Uncertain Significance.

Molecular Genetics laboratory, Necker Hospital
Classification: Pathogenic. Last evaluated: 2021-11-08. Review status: no assertion criteria provided. Collection method: clinical testing. Allele origin: biparental. Affected: yes. Not counted in ClinVar's aggregate classification.

Literature cited by the submitters: PubMed 30829456 (cited by Labcorp Genetics (formerly Invitae), Labcorp); PubMed 27130255 (cited by Labcorp Genetics (formerly Invitae), Labcorp).

NM_013328.4(PYCR2):c.596G>A (p.Arg199Gln)

Gene: PYCR2 (pyrroline-5-carboxylate reductase 2; minus strand). Cytogenetic location: 1q42.12.
Variant type: single nucleotide variant.
Coding change: c.596G>A on transcript NM_013328.4 (MANE Select); coding-DNA position 596, G replaced by A.
Protein change: p.Arg199Gln; replaces arginine 199 with glutamine.
Molecular consequence: missense variant.
Genome position (GRCh38, 1-based): chr1:225,921,589, C>T on the plus strand (G>A on the coding strand, the complement: PYCR2 is on the minus strand). VCF-style: chr1-225921589-C-T. GRCh37 (hg19) VCF-style: chr1-226109289-C-T.
Other names: c.596G>A (NM_013328.3); c.374G>A, p.Arg125Gln (NM_001271681.2); short protein forms R125Q, R199Q.
Identifiers: ClinVar variation 2169496 (VCV002169496.7), dbSNP rs376952965, ClinGen allele CA1420163.